The following is an entry in ClinVar:

ClinVar aggregate classification (germline): Uncertain significance. Review status: criteria provided, multiple submitters, no conflicts (2 of 4 stars). 2 submissions from 2 submitters: Uncertain significance (2). Last evaluated 2024-10-08.

Conditions:
Kufor-Rakeb syndrome (KRS). Also called: PARKINSON DISEASE 9, AUTOSOMAL RECESSIVE, JUVENILE-ONSET. Identifiers: Orphanet 306674, Orphanet 314632, MedGen C1847640, MONDO:0011706, OMIM 606693.
Autosomal recessive spastic paraplegia type 78. Identifiers: Orphanet 513436, MedGen C5567893, MONDO:0014975, OMIM 617225.

gnomAD v4.1: 38 of 1,614,116 alleles (0.0024%); highest among the groups gnomAD compares: East Asian, 0.011%; no homozygotes.

Submissions (2):

Women's Health and Genetics/Laboratory Corporation of America, LabCorp
Classification: Uncertain significance. Last evaluated: 2024-10-08. Review status: criteria provided, single submitter. Criteria: LabCorp Variant Classification Summary - May 2015. Collection method: clinical testing. Allele origin: germline.
Comment: Variant summary: ATP13A2 c.1378C>T (p.Arg460Trp) results in a non-conservative amino acid change in the encoded protein sequence. Five of five in-silico tools predict a damaging effect of the variant on protein function. The variant allele was found at a frequency of 5.2e-05 in 251334 control chromosomes (gnomAD). This frequency is not significantly higher than estimated for a pathogenic variant in ATP13A2 causing Neurodegeneration With Brain Iron Accumulation (5.2e-05 vs 0.00019), allowing no conclusion about variant significance. The variant, described as NM_001141974.3 c.1363C>T (p.R455W), has been reported in the literature in individuals affected with ventricular septal defect, however it was also found in an unaffected parent (Zhang_2023, Zhang_2024). These report(s) do not provide unequivocal conclusions about association of the variant with Neurodegeneration With Brain Iron Accumulation. To our knowledge, no experimental evidence demonstrating an impact on protein function has been reported. No submitters have cited clinical-significance assessments for this variant to ClinVar. Based on the evidence outlined above, the variant was classified as uncertain significance.

Juno Genomics, Hangzhou Juno Genomics, Inc
Classification: Uncertain significance for Kufor-Rakeb syndrome; Autosomal recessive spastic paraplegia type 78. Review status: criteria provided, single submitter. Criteria: ACMG Guidelines, 2015. Collection method: clinical testing. Allele origin: germline.
Comment: Absent from controls (or at extremely low frequency if recessive) in Genome Aggregation Database.;Multiple lines of computational evidence support a deleterious effect on the gene or gene product.

Literature cited by the submitters: PubMed 37138656 (cited by Women's Health and Genetics/Laboratory Corporation of America, LabCorp); PubMed 38215673 (cited by Women's Health and Genetics/Laboratory Corporation of America, LabCorp).

NM_022089.4(ATP13A2):c.1378C>T (p.Arg460Trp)

Gene: ATP13A2 (ATPase cation transporting 13A2; minus strand). Cytogenetic location: 1p36.13.
Variant type: single nucleotide variant.
Coding change: c.1378C>T on transcript NM_022089.4 (MANE Select); coding-DNA position 1378, C replaced by T.
Protein change: p.Arg460Trp; replaces arginine 460 with tryptophan.
Molecular consequence: missense variant.
Genome position (GRCh38, 1-based): chr1:16,996,140, G>A on the plus strand (C>T on the coding strand, the complement: ATP13A2 is on the minus strand). VCF-style: chr1-16996140-G-A. GRCh37 (hg19) VCF-style: chr1-17322635-G-A.
Other names: c.1363C>T, p.Arg455Trp (NM_001141973.3, NM_001141974.3); short protein forms R455W, R460W.
Identifiers: ClinVar variation 3384860 (VCV003384860.3).